The following is an entry in ClinVar:

ClinVar aggregate classification (germline): Uncertain significance (1 of 4 stars; one submission).

Conditions:
Inborn genetic diseases. Identifiers: MedGen C0950123, MeSH D030342.

Allele frequency attached by ClinVar (database versions not stated): gnomAD exomes below 0.00001.
gnomAD v4.1: 4 of 1,612,348 alleles (0.00025%); highest among the groups gnomAD compares: Non-Finnish European, 0.00034%; no homozygotes.

Submission:

Ambry Genetics
Classification: Uncertain significance for Inborn genetic diseases. Last evaluated: 2023-01-03. Review status: criteria provided, single submitter. Criteria: Ambry Variant Classification Scheme 2023. Collection method: clinical testing. Allele origin: germline.
Comment: The p.V2455F variant (also known as c.7363G>T), located in coding exon 49 of the LRRK2 gene, results from a G to T substitution at nucleotide position 7363. The valine at codon 2455 is replaced by phenylalanine, an amino acid with highly similar properties. This amino acid position is conserved. In addition, the in silico prediction for this alteration is inconclusive. Since supporting evidence is limited at this time, the clinical significance of this alteration remains unclear.

NM_198578.4(LRRK2):c.7363G>T (p.Val2455Phe)

Gene: LRRK2 (leucine rich repeat kinase 2; plus strand). Cytogenetic location: 12q12.
Variant type: single nucleotide variant.
Coding change: c.7363G>T on transcript NM_198578.4 (MANE Select); coding-DNA position 7363, G replaced by T.
Protein change: p.Val2455Phe; replaces valine 2455 with phenylalanine.
Molecular consequence: missense variant.
Genome position (GRCh38, 1-based): chr12:40,365,023, G>T. VCF-style: chr12-40365023-G-T. GRCh37 (hg19) VCF-style: chr12-40758825-G-T.
Other names: short protein forms V2455F.
Identifiers: ClinVar variation 2447258 (VCV002447258.2), dbSNP rs2500038757, ClinGen allele CA384415319.